The following is an entry in ClinVar:

NM_177438.3(DICER1):c.1736A>C (p.Tyr579Ser)

Gene: DICER1 (dicer 1, ribonuclease III; minus strand). Cytogenetic location: 14q32.13.
Variant type: single nucleotide variant.
Coding change: c.1736A>C on transcript NM_177438.3 (MANE Select); coding-DNA position 1736, A replaced by C.
Protein change: p.Tyr579Ser; replaces tyrosine 579 with serine.
Molecular consequence: missense variant. On other transcripts: non-coding transcript variant (6).
Genome position (GRCh38, 1-based): chr14:95,116,469, T>G on the plus strand (A>C on the coding strand, the complement: DICER1 is on the minus strand). VCF-style: chr14-95116469-T-G. GRCh37 (hg19) VCF-style: chr14-95582806-T-G.
Other names: c.1736A>C, p.Tyr579Ser (NM_001395679.1, NM_001395680.1, NM_001395682.1 and 12 more transcripts); c.1454A>C, p.Tyr485Ser (NM_001395686.1); c.1331A>C, p.Tyr444Ser (NM_001395687.1, NM_001395688.1, NM_001395689.1 and 3 more transcripts); c.1169A>C, p.Tyr390Ser (NM_001395691.1); c.53A>C, p.Tyr18Ser (NM_001395697.1); short protein forms Y18S, Y390S, Y444S, Y485S, Y579S.
Identifiers: ClinVar variation 4869784 (VCV004869784.1).

ClinVar aggregate classification (germline): Uncertain significance (1 of 4 stars; one submission).

Conditions:
Hereditary cancer-predisposing syndrome. Also called: Neoplastic Syndromes, Hereditary; Tumor predisposition; Hereditary Cancer Syndrome; Hereditary neoplastic syndrome. Identifiers: Orphanet 140162, MedGen C0027672, MeSH D009386, MONDO:0015356.

Submission:

Ambry Genetics
Classification: Uncertain significance for Hereditary cancer-predisposing syndrome. Last evaluated: 2026-05-14. Review status: criteria provided, single submitter. Criteria: Ambry Variant Classification Scheme 2023. Collection method: clinical testing. Allele origin: germline.
Comment: The p.Y579S variant (also known as c.1736A>C), located in coding exon 9 of the DICER1 gene, results from an A to C substitution at nucleotide position 1736. The tyrosine at codon 579 is replaced by serine, an amino acid with dissimilar properties. This amino acid position is conserved. In addition, this alteration is predicted to be deleterious by in silico analysis. Based on the available evidence, the clinical significance of this variant remains unclear.